The following is an entry in ClinVar:

NM_005055.5(RAPSN):c.913-1G>C

Gene: RAPSN (receptor associated protein of the synapse; minus strand). Cytogenetic location: 11p11.2.
Variant type: single nucleotide variant.
Coding change: c.913-1G>C on transcript NM_005055.5 (MANE Select); the canonical splice acceptor site of the intron before coding-DNA position 913, G replaced by C.
Molecular consequence: splice acceptor variant. On other transcripts: intron variant (1).
Genome position (GRCh38, 1-based): chr11:47,441,213, C>G on the plus strand (G>C on the coding strand, the complement: RAPSN is on the minus strand). VCF-style: chr11-47441213-C-G. GRCh37 (hg19) VCF-style: chr11-47462764-C-G.
Other names: c.789+610G>C (NM_032645.5).
Identifiers: ClinVar variation 2678228 (VCV002678228.4), dbSNP rs2496097284, ClinGen allele CA380328783.

ClinVar aggregate classification (germline): Likely pathogenic. Review status: criteria provided, multiple submitters, no conflicts (2 of 4 stars). 2 submissions from 2 submitters: Likely pathogenic (2). Last evaluated 2023-02-05.

Conditions:
Congenital myasthenic syndrome 11. Also called: Myasthenic syndrome, congenital, 11, associated with acetylcholine receptor deficiency; MYASTHENIC SYNDROME, CONGENITAL, Ie. Identifiers: Orphanet 590, MedGen C4225367, MONDO:0014588, OMIM 616326.
Fetal akinesia deformation sequence 1 (FADS1). Also called: Fetal akinesia sequence; Pena-Shokeir syndrome type I. Identifiers: Orphanet 994, MedGen C1276035, MONDO:0100101, OMIM 208150, HP:0001989.
Fetal akinesia deformation sequence 2. Identifiers: MedGen C4760576, MONDO:0100102, OMIM 618388.

Submissions (2):

Baylor Genetics
Classification: Likely pathogenic for Fetal akinesia deformation sequence 2. Last evaluated: 2023-02-05. Review status: criteria provided, single submitter. Criteria: ACMG Guidelines, 2015. Collection method: clinical testing. Allele origin: unknown.

Labcorp Genetics (formerly Invitae), Labcorp
Classification: Likely pathogenic for Congenital myasthenic syndrome 11; Fetal akinesia deformation sequence 1. Last evaluated: 2023-01-14. Review status: criteria provided, single submitter. Criteria: Invitae Variant Classification Sherloc (09022015). Collection method: clinical testing. Allele origin: germline.
Comment: In summary, the currently available evidence indicates that the variant is pathogenic, but additional data are needed to prove that conclusively. Therefore, this variant has been classified as Likely Pathogenic. Algorithms developed to predict the effect of sequence changes on RNA splicing suggest that this variant may disrupt the consensus splice site. This variant has not been reported in the literature in individuals affected with RAPSN-related conditions. This variant is not present in population databases (gnomAD no frequency). This sequence change affects an acceptor splice site in intron 5 of the RAPSN gene. It is expected to disrupt RNA splicing. Variants that disrupt the donor or acceptor splice site typically lead to a loss of protein function (PMID: 16199547), and loss-of-function variants in RAPSN are known to be pathogenic (PMID: 17686188).

Literature cited by the submitters: PubMed 16199547 (cited by Labcorp Genetics (formerly Invitae), Labcorp); PubMed 17686188 (cited by Labcorp Genetics (formerly Invitae), Labcorp).